The following is an entry in ClinVar:

NM_000088.4(COL1A1):c.4239T>A (p.Asp1413Glu)

Gene: COL1A1 (collagen type I alpha 1 chain; minus strand). Cytogenetic location: 17q21.33.
Variant type: single nucleotide variant.
Coding change: c.4239T>A on transcript NM_000088.4 (MANE Select); coding-DNA position 4239, T replaced by A.
Protein change: p.Asp1413Glu; replaces aspartic acid 1413 with glutamic acid.
Molecular consequence: missense variant.
Genome position (GRCh38, 1-based): chr17:50,185,787, A>T on the plus strand (T>A on the coding strand, the complement: COL1A1 is on the minus strand). VCF-style: chr17-50185787-A-T. GRCh37 (hg19) VCF-style: chr17-48263148-A-T.
Other names: c.4239T>A (LRG_1t1); short protein forms D1413E.
Identifiers: ClinVar variation 425628 (VCV000425628.9), dbSNP rs754555549, ClinGen allele CA400191234.

ClinVar aggregate classification (germline): Uncertain significance. Review status: criteria provided, single submitter (1 of 4 stars). 2 submissions from 2 submitters: Uncertain significance (1). 1 of the submissions does not count toward it. Last evaluated 2017-06-22.

Conditions:
Osteogenesis imperfecta with normal sclerae, dominant form (OI4). Also called: OSTEOGENESIS IMPERFECTA, TYPE IV, WITH DENTINOGENESIS IMPERFECTA; Osteogenesis Imperfecta Type IV; Osteogenesis imperfecta type 4; OSTEOGENESIS IMPERFECTA WITH NORMAL SCLERAE; Common Variable Osteogenesis Imperfecta with Normal Sclerae. Identifiers: Orphanet 216820, Orphanet 666, MedGen C0268363, MONDO:0008148, OMIM 166220.
Osteogenesis imperfecta type I (OI1). Also called: Lobstein's Disease; Lobstein disease; Osteogenesis imperfecta type 1; OI, TYPE I; OSTEOGENESIS IMPERFECTA TARDA; OSTEOGENESIS IMPERFECTA WITH BLUE SCLERAE. Identifiers: Orphanet 216796, Orphanet 666, MedGen C0023931, MONDO:0008146, OMIM 166200. Disease mechanism: loss of function.

Submissions (2):

Labcorp Genetics (formerly Invitae), Labcorp
Classification: Uncertain significance for Osteogenesis imperfecta type I. Last evaluated: 2017-06-22. Review status: criteria provided, single submitter. Criteria: Invitae Variant Classification Sherloc (09022015). Collection method: clinical testing. Allele origin: germline.
Comment: This sequence change replaces aspartic acid with glutamic acid at codon 1413 of the COL1A1 protein (p.Asp1413Glu). The aspartic acid residue is highly conserved and there is a small physicochemical difference between aspartic acid and glutamic acid. This variant is not present in population databases (ExAC no frequency). This variant has been reported in an individual affected with osteogenesis imperfecta, type IV (PMID: 28498836) and in an individual suspected to have osteogenesis imperfecta (PMID: 26177859, Osteogenesis Imperfecta LOVD). Algorithms developed to predict the effect of missense changes on protein structure and function do not agree on the potential impact of this missense change (SIFT: "Deleterious"; PolyPhen-2: "Probably Damaging"; Align-GVGD: "Class C0"). In summary, the available evidence is currently insufficient to determine the role of this variant in disease. Therefore, it has been classified as a Variant of Uncertain Significance.

Department of Medical Sciences, Uppsala University
Classification: Pathogenic for OI type IV. Review status: no assertion criteria provided. Collection method: clinical testing. Allele origin: paternal. Affected: yes. Observed: 1 variant allele. Not counted in ClinVar's aggregate classification.

Literature cited by the submitters: PubMed 28498836 (cited by Labcorp Genetics (formerly Invitae), Labcorp); PubMed 26177859 (cited by Labcorp Genetics (formerly Invitae), Labcorp); PubMed 25944380 (cited by Department of Medical Sciences, Uppsala University).